The following is an entry in ClinVar:

NM_001042492.3(NF1):c.3602T>C (p.Leu1201Ser)

Gene: NF1 (neurofibromin 1; plus strand). Cytogenetic location: 17q11.2.
Variant type: single nucleotide variant.
Coding change: c.3602T>C on transcript NM_001042492.3 (MANE Select); coding-DNA position 3602, T replaced by C.
Protein change: p.Leu1201Ser; replaces leucine 1201 with serine.
Molecular consequence: missense variant.
Genome position (GRCh38, 1-based): chr17:31,233,107, T>C. VCF-style: chr17-31233107-T-C. GRCh37 (hg19) VCF-style: chr17-29560125-T-C.
Other names: c.3602T>C, p.Leu1201Ser (NM_000267.4); short protein forms L1201S.
Identifiers: ClinVar variation 2750189 (VCV002750189.3), dbSNP rs2151435564, ClinGen allele CA398990267.

ClinVar aggregate classification (germline): Uncertain significance (1 of 4 stars; one submission).

Conditions:
Neurofibromatosis, type 1 (NF1). Also called: Peripheral type neurofibromatosis; NEUROFIBROMATOSIS, TYPE I, SOMATIC; VON RECKLINGHAUSEN DISEASE; Neurofibromatosis, type I. Identifiers: Orphanet 636, MedGen C0027831, MONDO:0018975, OMIM 162200. Disease mechanism: loss of function.

Submission:

Labcorp Genetics (formerly Invitae), Labcorp
Classification: Uncertain significance for Neurofibromatosis, type 1. Last evaluated: 2024-05-22. Review status: criteria provided, single submitter. Criteria: Invitae Variant Classification Sherloc (09022015). Collection method: clinical testing. Allele origin: germline.
Comment: This sequence change replaces leucine, which is neutral and non-polar, with serine, which is neutral and polar, at codon 1201 of the NF1 protein (p.Leu1201Ser). This variant is not present in population databases (gnomAD no frequency). This variant has not been reported in the literature in individuals affected with NF1-related conditions. Advanced modeling of protein sequence and biophysical properties (such as structural, functional, and spatial information, amino acid conservation, physicochemical variation, residue mobility, and thermodynamic stability) performed at Invitae indicates that this missense variant is expected to disrupt NF1 protein function with a positive predictive value of 95%. In summary, the available evidence is currently insufficient to determine the role of this variant in disease. Therefore, it has been classified as a Variant of Uncertain Significance.